The following is an entry in ClinVar:

ClinVar aggregate classification (germline): Conflicting classifications of pathogenicity. Review status: criteria provided, conflicting classifications (1 of 4 stars). 4 submissions from 4 submitters: Uncertain significance (2); Benign (1); Likely benign (1). Last evaluated 2026-02-26.

Conditions:
Kabuki syndrome. Also called: Kabuki make-up syndrome; NIIKAWA-KUROKI SYNDROME. Identifiers: Orphanet 2322, MedGen C0796004, MONDO:0016512.
KMT2D-related disorder. Also called: KMT2D-Related Disorders.

Allele frequency attached by ClinVar (database versions not stated): TOPMed 0.00001; gnomAD 0.00003.
gnomAD v4.1: 10 of 1,613,792 alleles (0.00062%); highest among the groups gnomAD compares: Admixed American, 0.0017%; no homozygotes.

Submissions (4):

PreventionGenetics, part of Exact Sciences
Classification: Uncertain significance for KMT2D-related condition. Last evaluated: 2026-02-26. Review status: criteria provided, single submitter. Criteria: ACMG Guidelines, 2015. Collection method: clinical testing. Allele origin: germline.
Comment: The KMT2D c.4571G>A variant is predicted to result in the amino acid substitution p.Arg1524His. To our knowledge, this variant has not been reported in the literature. This variant is reported in 0.0016% of alleles in individuals of European (Non-Finnish) descent in gnomAD. At this time, the clinical significance of this variant is uncertain due to the absence of conclusive functional and genetic evidence.

Women's Health and Genetics/Laboratory Corporation of America, LabCorp
Classification: Likely benign. Last evaluated: 2026-02-17. Review status: criteria provided, single submitter. Criteria: LabCorp Variant Classification Summary - May 2015. Collection method: clinical testing. Allele origin: germline.
Comment: Variant summary: KMT2D c.4571G>A (p.Arg1524His) results in a non-conservative amino acid change in the encoded protein sequence. Algorithms developed to predict the effect of missense changes on protein structure and function are either unavailable or do not agree on the potential impact of this missense change. The variant allele was found at a frequency of 4e-06 in 249030 control chromosomes in gnomAD v2.1, and in 10 out of 1613792 chromosomes in gnomAD v4.1. To our knowledge, no occurrence of c.4571G>A in individuals affected with KMT2D-related conditions and no experimental evidence demonstrating its impact on protein function have been reported. ClinVar contains an entry for this variant (Variation ID: 3712561). Based on the evidence outlined above, the variant was classified as likely benign.

Labcorp Genetics (formerly Invitae), Labcorp
Classification: Benign for Kabuki syndrome. Last evaluated: 2024-10-09. Review status: criteria provided, single submitter. Criteria: Invitae Variant Classification Sherloc (09022015). Collection method: clinical testing. Allele origin: germline.

Blueprint Genetics
Classification: Uncertain significance. Last evaluated: 2023-10-17. Review status: criteria provided, single submitter. Criteria: ACMG Guidelines, 2015. Collection method: clinical testing. Allele origin: germline.

NM_003482.4(KMT2D):c.4571G>A (p.Arg1524His)

Gene: KMT2D (lysine methyltransferase 2D; minus strand). Cytogenetic location: 12q13.12.
Variant type: single nucleotide variant.
Coding change: c.4571G>A on transcript NM_003482.4 (MANE Select); coding-DNA position 4571, G replaced by A.
Protein change: p.Arg1524His; replaces arginine 1524 with histidine.
Molecular consequence: missense variant.
Genome position (GRCh38, 1-based): chr12:49,046,272, C>T on the plus strand (G>A on the coding strand, the complement: KMT2D is on the minus strand). VCF-style: chr12-49046272-C-T. GRCh37 (hg19) VCF-style: chr12-49440055-C-T.
Other names: short protein forms R1524H.
Identifiers: ClinVar variation 3712561 (VCV003712561.5), dbSNP rs886049483.